The following is an entry in ClinVar:

ClinVar aggregate classification (germline): Likely benign (1 of 4 stars; one submission).

Allele frequency attached by ClinVar (database versions not stated): gnomAD exomes below 0.00001.
gnomAD v4.1: 3 of 1,583,460 alleles (0.00019%); highest among the groups gnomAD compares: South Asian, 0.0034%; no homozygotes.

Submission:

CeGaT Center for Human Genetics Tuebingen
Classification: Likely benign. Last evaluated: 2023-09-01. Review status: criteria provided, single submitter. Criteria: CeGaT Center For Human Genetics Tuebingen Variant Classification Criteria Version 2. Collection method: clinical testing. Allele origin: germline. Affected: yes. Observed: 1 variant allele.
Comment: MTFMT: BP4, BP7

NM_139242.4(MTFMT):c.972C>T (p.Cys324=)

Gene: MTFMT (mitochondrial methionyl-tRNA formyltransferase; minus strand). Cytogenetic location: 15q22.31.
Variant type: single nucleotide variant.
Coding change: c.972C>T on transcript NM_139242.4 (MANE Select); coding-DNA position 972, C replaced by T.
Protein change: p.Cys324=; no amino-acid change (cysteine 324 retained).
Molecular consequence: synonymous variant.
Genome position (GRCh38, 1-based): chr15:65,004,857, G>A on the plus strand (C>T on the coding strand, the complement: MTFMT is on the minus strand). VCF-style: chr15-65004857-G-A. GRCh37 (hg19) VCF-style: chr15-65297195-G-A.
Identifiers: ClinVar variation 2645450 (VCV002645450.24), dbSNP rs1358576466, ClinGen allele CA490824013.